The following is an entry in ClinVar:

NM_017775.4(TTC19):c.194G>C (p.Trp65Ser)

Genes: TTC19 (tetratricopeptide repeat domain 19; plus strand), LOC130060311 (ATAC-STARR-seq lymphoblastoid silent region 8214; plus strand). Cytogenetic location: 17p12.
Variant type: single nucleotide variant.
Coding change: c.194G>C on transcript NM_017775.4 (MANE Select); coding-DNA position 194, G replaced by C.
Protein change: p.Trp65Ser; replaces tryptophan 65 with serine.
Molecular consequence: missense variant. On other transcripts: 5 prime UTR variant (1).
Genome position (GRCh38, 1-based): chr17:16,000,127, G>C. VCF-style: chr17-16000127-G-C. GRCh37 (hg19) VCF-style: chr17-15903441-G-C.
Other names: c.-265G>C (NM_001271420.2); c.557G>C (NM_017775.2); short protein forms W65S.
Identifiers: ClinVar variation 2185439 (VCV002185439.3), dbSNP rs779592523, ClinGen allele CA8407255.
Genomic context (GRCh38, chr17:16,000,127, plus strand): 5'-GGGGACAGGGGCGCGGGCCGGGCCCGATGACCTCAGAGCCCCTTCCCGCAGCGCTCGCCT[G>C]GTTCTCGAGGCCCGCTGCGGCAGAGGAGGAGGAGCAGCAGGGAGCCGACGGGGCCGCTGC-3'
Protein context (NP_060245.3, residues 55-75): GLLPLLAALA[Trp65Ser]FSRPAAAEEE

ClinVar aggregate classification (germline): Uncertain significance. Review status: criteria provided, multiple submitters, no conflicts (2 of 4 stars). 2 submissions from 2 submitters: Uncertain significance (2). Last evaluated 2024-05-08.

Conditions:
Inborn genetic diseases. Identifiers: MedGen C0950123, MeSH D030342.

gnomAD v4.1: 4 of 1,567,654 alleles (0.00026%); highest among the groups gnomAD compares: Admixed American, 0.0036%; no homozygotes.

Submissions (2):

Ambry Genetics
Classification: Uncertain significance for Inborn genetic diseases. Last evaluated: 2024-05-08. Review status: criteria provided, single submitter. Criteria: Ambry Variant Classification Scheme 2023. Collection method: clinical testing. Allele origin: germline.

Labcorp Genetics (formerly Invitae), Labcorp
Classification: Uncertain significance. Last evaluated: 2022-08-23. Review status: criteria provided, single submitter. Criteria: Invitae Variant Classification Sherloc (09022015). Collection method: clinical testing. Allele origin: germline.
Comment: In summary, the available evidence is currently insufficient to determine the role of this variant in disease. Therefore, it has been classified as a Variant of Uncertain Significance. Algorithms developed to predict the effect of missense changes on protein structure and function (SIFT, PolyPhen-2, Align-GVGD) all suggest that this variant is likely to be tolerated. This variant has not been reported in the literature in individuals affected with TTC19-related conditions. This sequence change replaces tryptophan, which is neutral and slightly polar, with serine, which is neutral and polar, at codon 65 of the TTC19 protein (p.Trp65Ser). This variant is present in population databases (rs779592523, gnomAD 0.01%).